The following is an entry in ClinVar:

NM_000540.3(RYR1):c.14271C>T (p.Arg4757=)

Gene: RYR1 (ryanodine receptor 1; plus strand). Cytogenetic location: 19q13.2.
Variant type: single nucleotide variant.
Coding change: c.14271C>T on transcript NM_000540.3 (MANE Select); coding-DNA position 14271, C replaced by T.
Protein change: p.Arg4757=; no amino-acid change (arginine 4757 retained).
Molecular consequence: synonymous variant.
Genome position (GRCh38, 1-based): chr19:38,578,016, C>T. VCF-style: chr19-38578016-C-T. GRCh37 (hg19) VCF-style: chr19-39068656-C-T.
Other names: c.14256C>T, p.Arg4752= (NM_001042723.2).
Identifiers: ClinVar variation 3069698 (VCV003069698.1), dbSNP rs1974033967, ClinGen allele CA507245891.

ClinVar aggregate classification (germline): Uncertain significance (1 of 4 stars; one submission).

Conditions:
Malignant hyperthermia, susceptibility to, 1 (MHS1). Also called: RYR1-Related Malignant Hyperthermia Susceptibility; Anesthesia related hyperthermia; Malignant hyperpyrexia; Fulminating hyperpyrexia; Pharmacogenic myopathy; Malignant hyperthermia suceptibility 1. Identifiers: Orphanet 423, MedGen C2930980, MONDO:0007783, OMIM 145600.

Submission:

All of Us Research Program, National Institutes of Health
Classification: Uncertain significance for Malignant hyperthermia, susceptibility to, 1. Last evaluated: 2023-02-24. Review status: criteria provided, single submitter. Criteria: ACMG Guidelines, 2015. Collection method: clinical testing. Allele origin: germline. Inheritance: Autosomal dominant inheritance. Observed: 1 variant allele, 1 heterozygote.
Comment: This variant is located in the RYR1 protein. To our knowledge, functional studies have not been reported for this variant. This variant has not been reported in individuals affected with RYR1-related disorders in the literature. This variant has not been identified in the general population by the Genome Aggregation Database (gnomAD). The available evidence is insufficient to determine the role of this variant in disease conclusively. Therefore, this variant is classified as a Variant of Uncertain Significance.

This study involves interpretation of variants in research participants for the purpose of population health screening. Participant phenotype was not available at the time of variant classification. Additional details can be found in publication PMID: 35346344, PMCID: PMC8962531